The following is an entry in ClinVar:

ClinVar aggregate classification (germline): Benign (1 of 4 stars; one submission).

Allele frequency attached by ClinVar (database versions not stated): TOPMed 0.54778; 1000 Genomes Project 30x 0.55450; gnomAD 0.55696 and 0.56432; 1000 Genomes Project 0.56210.

Submission:

GeneDx
Classification: Benign. Last evaluated: 2018-06-14. Review status: criteria provided, single submitter. Criteria: GeneDx Variant Classification (06012015). Collection method: clinical testing. Allele origin: germline. Affected: yes.
Comment: This variant is considered likely benign or benign based on one or more of the following criteria: it is a conservative change, it occurs at a poorly conserved position in the protein, it is predicted to be benign by multiple in silico algorithms, and/or has population frequency not consistent with disease.

NM_022114.4(PRDM16):c.884+119C>G

Gene: PRDM16 (PR/SET domain 16; plus strand). Cytogenetic location: 1p36.32.
Variant type: single nucleotide variant.
Coding change: c.884+119C>G on transcript NM_022114.4 (MANE Select); 119 bases into the intron after coding-DNA position 884, C replaced by G.
Molecular consequence: intron variant.
Genome position (GRCh38, 1-based): chr1:3,403,117, C>G. VCF-style: chr1-3403117-C-G. GRCh37 (hg19) VCF-style: chr1-3319681-C-G.
Other names: c.884+119C>G (NM_199454.3).
Identifiers: ClinVar variation 674733 (VCV000674733.1), dbSNP rs12562399, ClinGen allele CA10761273.